The following is an entry in ClinVar:

NM_145691.4(ATPAF2):c.577G>T (p.Val193Phe)

Gene: ATPAF2 (ATP synthase mitochondrial F1 complex assembly factor 2; minus strand). Cytogenetic location: 17p11.2.
Variant type: single nucleotide variant.
Coding change: c.577G>T on transcript NM_145691.4 (MANE Select); coding-DNA position 577, G replaced by T.
Protein change: p.Val193Phe; replaces valine 193 with phenylalanine.
Molecular consequence: missense variant.
Genome position (GRCh38, 1-based): chr17:18,021,784, C>A on the plus strand (G>T on the coding strand, the complement: ATPAF2 is on the minus strand). VCF-style: chr17-18021784-C-A. GRCh37 (hg19) VCF-style: chr17-17925098-C-A.
Other names: short protein forms V193F.
Identifiers: ClinVar variation 2064372 (VCV002064372.4), dbSNP rs778802460, ClinGen allele CA398575130.

ClinVar aggregate classification (germline): Uncertain significance (1 of 4 stars; one submission).

gnomAD v4.1: 2 of 1,614,140 alleles (0.00012%); highest among the groups gnomAD compares: Non-Finnish European, 0.00017%; no homozygotes.

Submission:

Labcorp Genetics (formerly Invitae), Labcorp
Classification: Uncertain significance. Last evaluated: 2022-03-24. Review status: criteria provided, single submitter. Criteria: Invitae Variant Classification Sherloc (09022015). Collection method: clinical testing. Allele origin: germline.
Comment: In summary, the available evidence is currently insufficient to determine the role of this variant in disease. Therefore, it has been classified as a Variant of Uncertain Significance. Algorithms developed to predict the effect of missense changes on protein structure and function (SIFT, PolyPhen-2, Align-GVGD) all suggest that this variant is likely to be tolerated. This variant has not been reported in the literature in individuals affected with ATPAF2-related conditions. This variant is not present in population databases (gnomAD no frequency). This sequence change replaces valine, which is neutral and non-polar, with phenylalanine, which is neutral and non-polar, at codon 193 of the ATPAF2 protein (p.Val193Phe).